The following is an entry in ClinVar:

NM_001243279.3(ACSF3):c.856C>T (p.Arg286Trp)

Gene: ACSF3 (acyl-CoA synthetase family member 3; plus strand). Cytogenetic location: 16q24.3.
Variant type: single nucleotide variant.
Coding change: c.856C>T on transcript NM_001243279.3 (MANE Select); coding-DNA position 856, C replaced by T.
Protein change: p.Arg286Trp; replaces arginine 286 with tryptophan.
Molecular consequence: missense variant. On other transcripts: non-coding transcript variant (3).
Genome position (GRCh38, 1-based): chr16:89,112,125, C>T. VCF-style: chr16-89112125-C-T. GRCh37 (hg19) VCF-style: chr16-89178533-C-T.
Other names: c.856C>T (NM_174917.3); c.856C>T, p.Arg286Trp (NM_001127214.4, NM_174917.5); c.61C>T, p.Arg21Trp (NM_001284316.2); short protein forms R286W, R21W.
Identifiers: ClinVar variation 2054049 (VCV002054049.3), dbSNP rs148146761, ClinGen allele CA8237867.

ClinVar aggregate classification (germline): Uncertain significance. Review status: criteria provided, multiple submitters, no conflicts (2 of 4 stars). 3 submissions from 3 submitters: Uncertain significance (3). Last evaluated 2025-01-15.

Conditions:
Combined malonic and methylmalonic acidemia. Identifiers: Orphanet 289504, MedGen C3280314, MONDO:0013661, OMIM 614265.

Allele frequency attached by ClinVar (database versions not stated): ESP Exome Variant Server 0.00008; gnomAD exomes 0.00009; ExAC 0.00010; TOPMed 0.00019; 1000 Genomes Project 0.00020; gnomAD 0.00186.
gnomAD v4.1: 122 of 1,100,672 alleles (0.011%); highest among the groups gnomAD compares: African/African-American, 0.07%; no homozygotes.

Submissions (3):

GeneDx
Classification: Uncertain significance. Last evaluated: 2025-01-15. Review status: criteria provided, single submitter. Criteria: GeneDx Variant Classification Process June 2021. Collection method: clinical testing. Allele origin: germline. Affected: yes.
Comment: In silico analysis supports that this missense variant has a deleterious effect on protein structure/function; Has not been previously published as pathogenic or benign to our knowledge

Blueprint Genetics
Classification: Uncertain significance. Last evaluated: 2024-11-11. Review status: criteria provided, single submitter. Criteria: ACMG Guidelines, 2015. Collection method: clinical testing. Allele origin: germline.

Labcorp Genetics (formerly Invitae), Labcorp
Classification: Uncertain significance for Combined malonic and methylmalonic acidemia. Last evaluated: 2022-10-13. Review status: criteria provided, single submitter. Criteria: Invitae Variant Classification Sherloc (09022015). Collection method: clinical testing. Allele origin: germline.
Comment: This sequence change replaces arginine, which is basic and polar, with tryptophan, which is neutral and slightly polar, at codon 286 of the ACSF3 protein (p.Arg286Trp). This variant is present in population databases (rs148146761, gnomAD 0.04%). This variant has not been reported in the literature in individuals affected with ACSF3-related conditions. Advanced modeling of protein sequence and biophysical properties (such as structural, functional, and spatial information, amino acid conservation, physicochemical variation, residue mobility, and thermodynamic stability) performed at Invitae indicates that this missense variant is expected to disrupt ACSF3 protein function. In summary, the available evidence is currently insufficient to determine the role of this variant in disease. Therefore, it has been classified as a Variant of Uncertain Significance.